The following is an entry in ClinVar:

NM_024665.7(TBL1XR1):c.1364G>A (p.Arg455Lys)

Gene: TBL1XR1 (TBL1X/Y related 1; minus strand). Cytogenetic location: 3q26.32.
Variant type: single nucleotide variant.
Coding change: c.1364G>A on transcript NM_024665.7 (MANE Select); coding-DNA position 1364, G replaced by A.
Protein change: p.Arg455Lys; replaces arginine 455 with lysine.
Molecular consequence: missense variant.
Genome position (GRCh38, 1-based): chr3:177,033,023, C>T on the plus strand (G>A on the coding strand, the complement: TBL1XR1 is on the minus strand). VCF-style: chr3-177033023-C-T. GRCh37 (hg19) VCF-style: chr3-176750811-C-T.
Other names: c.1364G>A, p.Arg455Lys (NM_001321193.3, NM_001321194.3, NM_001374327.1 and 2 more transcripts); c.1103G>A, p.Arg368Lys (NM_001321195.3, NM_001374330.1); short protein forms R368K, R455K.
Identifiers: ClinVar variation 1971391 (VCV001971391.5), dbSNP rs761590111, ClinGen allele CA2709778.

ClinVar aggregate classification (germline): Uncertain significance (1 of 4 stars; one submission).

Conditions:
Pierpont syndrome (PRPTS). Identifiers: Orphanet 487825, MedGen C1865644, MONDO:0011213, OMIM 602342.

Allele frequency attached by ClinVar (database versions not stated): gnomAD exomes below 0.00001; ExAC 0.00002.
gnomAD v4.1: 6 of 1,607,418 alleles (0.00037%); highest among the groups gnomAD compares: Admixed American, 0.0034%; no homozygotes.

Submission:

Labcorp Genetics (formerly Invitae), Labcorp
Classification: Uncertain significance for Pierpont syndrome. Last evaluated: 2024-04-16. Review status: criteria provided, single submitter. Criteria: Invitae Variant Classification Sherloc (09022015). Collection method: clinical testing. Allele origin: germline.
Comment: This sequence change replaces arginine, which is basic and polar, with lysine, which is basic and polar, at codon 455 of the TBL1XR1 protein (p.Arg455Lys). This variant is present in population databases (rs761590111, gnomAD 0.006%). This variant has not been reported in the literature in individuals affected with TBL1XR1-related conditions. ClinVar contains an entry for this variant (Variation ID: 1971391). Advanced modeling of protein sequence and biophysical properties (such as structural, functional, and spatial information, amino acid conservation, physicochemical variation, residue mobility, and thermodynamic stability) performed at Invitae indicates that this missense variant is not expected to disrupt TBL1XR1 protein function with a negative predictive value of 95%. In summary, the available evidence is currently insufficient to determine the role of this variant in disease. Therefore, it has been classified as a Variant of Uncertain Significance.